The following is an entry in ClinVar:

ClinVar aggregate classification (germline): Uncertain significance (1 of 4 stars; one submission).

Conditions:
Hyperkalemic periodic paralysis. Also called: Familial hyperkalemic periodic paralysis; Gamstorp disease. Identifiers: Orphanet 682, MedGen C0238357, MONDO:0008224, OMIM 170500, HP:0007215.

gnomAD v4.1: 10 of 1,613,994 alleles (0.00062%); highest among the groups gnomAD compares: Non-Finnish European, 0.00085%; no homozygotes.

Submission:

Labcorp Genetics (formerly Invitae), Labcorp
Classification: Uncertain significance for Hyperkalemic periodic paralysis. Last evaluated: 2025-01-01. Review status: criteria provided, single submitter. Criteria: Invitae Variant Classification Sherloc (09022015). Collection method: clinical testing. Allele origin: germline.
Comment: This sequence change replaces valine, which is neutral and non-polar, with methionine, which is neutral and non-polar, at codon 1382 of the SCN4A protein (p.Val1382Met). This variant is not present in population databases (gnomAD no frequency). This variant has not been reported in the literature in individuals affected with SCN4A-related conditions. Invitae Evidence Modeling of protein sequence and biophysical properties (such as structural, functional, and spatial information, amino acid conservation, physicochemical variation, residue mobility, and thermodynamic stability) indicates that this missense variant is not expected to disrupt SCN4A protein function with a negative predictive value of 95%. In summary, the available evidence is currently insufficient to determine the role of this variant in disease. Therefore, it has been classified as a Variant of Uncertain Significance.

NM_000334.4(SCN4A):c.4144G>A (p.Val1382Met)

Genes: SCN4A (sodium voltage-gated channel alpha subunit 4; minus strand), GH-LCR (growth hormone locus control region; plus strand). Cytogenetic location: 17q23.3.
Variant type: single nucleotide variant.
Coding change: c.4144G>A on transcript NM_000334.4 (MANE Select); coding-DNA position 4144, G replaced by A.
Protein change: p.Val1382Met; replaces valine 1382 with methionine.
Molecular consequence: missense variant.
Genome position (GRCh38, 1-based): chr17:63,942,970, C>T on the plus strand (G>A on the coding strand, the complement: SCN4A is on the minus strand). VCF-style: chr17-63942970-C-T. GRCh37 (hg19) VCF-style: chr17-62020330-C-T.
Other names: short protein forms V1382M.
Identifiers: ClinVar variation 3704139 (VCV003704139.2).